The following is an entry in ClinVar:

ClinVar aggregate classification (germline): Uncertain significance. Review status: criteria provided, multiple submitters, no conflicts (2 of 4 stars). 3 submissions from 3 submitters: Uncertain significance (3). Last evaluated 2024-09-13.

Conditions:
Inborn genetic diseases. Identifiers: MedGen C0950123, MeSH D030342.

Allele frequency attached by ClinVar (database versions not stated): 1000 Genomes Project 30x 0.00016.
gnomAD v4.1: 22 of 1,580,924 alleles (0.0014%); highest among the groups gnomAD compares: African/African-American, 0.024%; no homozygotes.

Submissions (3):

Blueprint Genetics
Classification: Uncertain significance. Last evaluated: 2024-09-13. Review status: criteria provided, single submitter. Criteria: ACMG Guidelines, 2015. Collection method: clinical testing. Allele origin: germline.

Ambry Genetics
Classification: Uncertain significance for Inborn genetic diseases. Last evaluated: 2024-06-26. Review status: criteria provided, single submitter. Criteria: Ambry Variant Classification Scheme 2023. Collection method: clinical testing. Allele origin: germline.

GeneDx
Classification: Uncertain significance. Last evaluated: 2022-10-26. Review status: criteria provided, single submitter. Criteria: GeneDx Variant Classification Process June 2021. Collection method: clinical testing. Allele origin: germline. Affected: yes.
Comment: In silico analysis supports that this missense variant does not alter protein structure/function; Has not been previously published as pathogenic or benign to our knowledge

NM_178857.6(RP1L1):c.2579G>T (p.Arg860Leu)

Gene: RP1L1 (RP1 like 1). Cytogenetic location: 8p23.1.
Variant type: single nucleotide variant.
Coding change: c.2579G>T on transcript NM_178857.6 (MANE Select); coding-DNA position 2579, G replaced by T.
Protein change: p.Arg860Leu; replaces arginine 860 with leucine.
Molecular consequence: missense variant.
Genome position (GRCh38, 1-based): chr8:10,611,519, C>A on the plus strand (G>T on the coding strand, the complement: RP1L1 is on the minus strand). VCF-style: chr8-10611519-C-A. GRCh37 (hg19) VCF-style: chr8-10469029-C-A.
Other names: short protein forms R860L.
Identifiers: ClinVar variation 2500519 (VCV002500519.3), dbSNP rs183579257, ClinGen allele CA4624780.